The following is an entry in ClinVar:

NM_000780.4(CYP7A1):c.733G>A (p.Glu245Lys)

Gene: CYP7A1 (cytochrome P450 family 7 subfamily A member 1; minus strand). Cytogenetic location: 8q12.1.
Variant type: single nucleotide variant.
Coding change: c.733G>A on transcript NM_000780.4 (MANE Select); coding-DNA position 733, G replaced by A.
Protein change: p.Glu245Lys; replaces glutamic acid 245 with lysine.
Molecular consequence: missense variant.
Genome position (GRCh38, 1-based): chr8:58,496,779, C>T on the plus strand (G>A on the coding strand, the complement: CYP7A1 is on the minus strand). VCF-style: chr8-58496779-C-T. GRCh37 (hg19) VCF-style: chr8-59409338-C-T.
Other names: short protein forms E245K.
Identifiers: ClinVar variation 3675111 (VCV003675111.2).

ClinVar aggregate classification (germline): Uncertain significance (1 of 4 stars; one submission).

Submission:

Labcorp Genetics (formerly Invitae), Labcorp
Classification: Uncertain significance. Last evaluated: 2024-03-18. Review status: criteria provided, single submitter. Criteria: Invitae Variant Classification Sherloc (09022015). Collection method: clinical testing. Allele origin: germline.
Comment: This sequence change replaces glutamic acid, which is acidic and polar, with lysine, which is basic and polar, at codon 245 of the CYP7A1 protein (p.Glu245Lys). This variant is present in population databases (no rsID available, gnomAD 0.007%). This variant has not been reported in the literature in individuals affected with CYP7A1-related conditions. Advanced modeling of protein sequence and biophysical properties (such as structural, functional, and spatial information, amino acid conservation, physicochemical variation, residue mobility, and thermodynamic stability) performed at Invitae indicates that this missense variant is not expected to disrupt CYP7A1 protein function with a negative predictive value of 80%. In summary, the available evidence is currently insufficient to determine the role of this variant in disease. Therefore, it has been classified as a Variant of Uncertain Significance.